The following is an entry in ClinVar:

NM_001854.4(COL11A1):c.1899+4T>C

Gene: COL11A1 (collagen type XI alpha 1 chain; minus strand). Cytogenetic location: 1p21.1.
Variant type: single nucleotide variant.
Coding change: c.1899+4T>C on transcript NM_001854.4 (MANE Select); 4 bases into the intron after coding-DNA position 1899, T replaced by C.
Molecular consequence: intron variant.
Genome position (GRCh38, 1-based): chr1:103,004,604, A>G on the plus strand (T>C on the coding strand, the complement: COL11A1 is on the minus strand). VCF-style: chr1-103004604-A-G. GRCh37 (hg19) VCF-style: chr1-103470160-A-G.
Other names: c.1782+4T>C (NM_001190709.2); c.1935+4T>C (NM_080629.3); c.1551+4T>C (NM_080630.4).
Identifiers: ClinVar variation 2970808 (VCV002970808.3), dbSNP rs766017266, ClinGen allele CA1005164783.

ClinVar aggregate classification (germline): Uncertain significance (1 of 4 stars; one submission).

gnomAD v4.1: 4 of 1,607,096 alleles (0.00025%); highest among the groups gnomAD compares: Admixed American, 0.005%; no homozygotes.

Submission:

Labcorp Genetics (formerly Invitae), Labcorp
Classification: Uncertain significance. Last evaluated: 2025-09-11. Review status: criteria provided, single submitter. Criteria: Invitae Variant Classification Sherloc (09022015). Collection method: clinical testing. Allele origin: germline.
Comment: This sequence change falls in intron 19 of the COL11A1 gene. It does not directly change the encoded amino acid sequence of the COL11A1 protein. It affects a nucleotide within the consensus splice site. This variant is not present in population databases (gnomAD no frequency). This variant has not been reported in the literature in individuals affected with COL11A1-related conditions. ClinVar contains an entry for this variant (Variation ID: 2970808). Variants that disrupt the consensus splice site are a relatively common cause of aberrant splicing (PMID: 17576681, 9536098). Algorithms developed to predict the effect of sequence changes on RNA splicing suggest that this variant is not likely to affect RNA splicing. In summary, the available evidence is currently insufficient to determine the role of this variant in disease. Therefore, it has been classified as a Variant of Uncertain Significance.

Literature cited by the submitters: PubMed 17576681; PubMed 9536098.